The following is an entry in ClinVar:

ClinVar aggregate classification (germline): Uncertain significance (1 of 4 stars; one submission).

Conditions:
Amyotrophic lateral sclerosis type 21. Also called: VOCAL CORD AND PHARYNGEAL DYSFUNCTION WITH DISTAL MYOPATHY; MYOPATHY, DISTAL, 2. Identifiers: Orphanet 600, Orphanet 803, MedGen C3807521, MONDO:0011632, OMIM 606070.

gnomAD v4.1: 19 of 1,614,144 alleles (0.0012%); highest among the groups gnomAD compares: Non-Finnish European, 0.0016%; no homozygotes.

Submission:

Labcorp Genetics (formerly Invitae), Labcorp
Classification: Uncertain significance for Amyotrophic lateral sclerosis type 21. Last evaluated: 2024-10-21. Review status: criteria provided, single submitter. Criteria: Invitae Variant Classification Sherloc (09022015). Collection method: clinical testing. Allele origin: germline.
Comment: This sequence change replaces glycine, which is neutral and non-polar, with aspartic acid, which is acidic and polar, at codon 601 of the MATR3 protein (p.Gly601Asp). This variant is not present in population databases (gnomAD no frequency). This variant has not been reported in the literature in individuals affected with MATR3-related conditions. Invitae Evidence Modeling of protein sequence and biophysical properties (such as structural, functional, and spatial information, amino acid conservation, physicochemical variation, residue mobility, and thermodynamic stability) indicates that this missense variant is not expected to disrupt MATR3 protein function with a negative predictive value of 80%. In summary, the available evidence is currently insufficient to determine the role of this variant in disease. Therefore, it has been classified as a Variant of Uncertain Significance.

NM_018834.6(MATR3):c.1802G>A (p.Gly601Asp)

Genes: MATR3 (matrin 3; plus strand), LOC126807526 (CDK7 strongly-dependent group 2 enhancer GRCh37_chr5:138657767-138658966; plus strand). Cytogenetic location: 5q31.2.
Variant type: single nucleotide variant.
Coding change: c.1802G>A on transcript NM_018834.6 (MANE Select); coding-DNA position 1802, G replaced by A.
Protein change: p.Gly601Asp; replaces glycine 601 with aspartic acid.
Molecular consequence: missense variant.
Genome position (GRCh38, 1-based): chr5:139,322,621, G>A. VCF-style: chr5-139322621-G-A. GRCh37 (hg19) VCF-style: chr5-138658310-G-A.
Other names: c.1802G>A, p.Gly601Asp (NM_001194954.2, NM_001194955.2, NM_001400441.1 and 16 more transcripts); c.938G>A, p.Gly313Asp (NM_001194956.2); c.788G>A, p.Gly263Asp (NM_001282278.2, NM_001400460.1, NM_001400462.1 and 5 more transcripts); c.941G>A, p.Gly314Asp (NM_001400459.1); c.902G>A, p.Gly301Asp (NM_001400461.1); short protein forms G314D, G301D, G313D, G601D, G263D.
Identifiers: ClinVar variation 3671669 (VCV003671669.2).